The following is an entry in ClinVar:

NM_017797.4(BTBD2):c.124GCC[6] (p.Ala48_Ala54del)

Gene: BTBD2 (BTB domain containing 2; minus strand). Cytogenetic location: 19p13.3.
Variant type: Microsatellite.
Coding change: c.124GCC[6] on transcript NM_017797.4 (MANE Select); six copies in a row of the 3-base unit GCC starting at c.124; the reference has 13 copies in a row; seven copies, 21 bases deleted.
Protein change: p.Ala48_Ala54del.
Genome position (GRCh38, 1-based): chr19:2,015,542-2,015,562, GGCGGCGGCGGCGGCGGCGGC deleted on the plus strand (GCCGCCGCCGCCGCCGCCGCC on the coding strand, the reverse complement: BTBD2 is on the minus strand); deleting any 21 consecutive bases within chr19:2,015,542-2,015,580 gives the same sequence; the position shown is the placement nearest the transcript's 3' end. VCF-style (leftmost placement, unchanged base first): chr19-2015541-GGGCGGCGGCGGCGGCGGCGGC-G. GRCh37 (hg19) VCF-style: chr19-2015540-GGGCGGCGGCGGCGGCGGCGGC-G.
Identifiers: ClinVar variation 3031343 (VCV003031343.16), dbSNP rs533915623, ClinGen allele CA631065368.

ClinVar aggregate classification (germline): Likely benign. Review status: criteria provided, single submitter (1 of 4 stars). 2 submissions from 2 submitters: Likely benign (1). 1 of the submissions does not count toward it. Last evaluated 2025-03-01.

Conditions:
BTBD2-related disorder. Also called: BTBD2-related condition.

Submissions (2):

CeGaT Center for Human Genetics Tuebingen
Classification: Likely benign. Last evaluated: 2025-03-01. Review status: criteria provided, single submitter. Criteria: CeGaT Center For Human Genetics Tuebingen Variant Classification Criteria Version 2. Collection method: clinical testing. Allele origin: germline. Affected: yes. Observed: 6 variant alleles.
Comment: BTBD2: BS2

PreventionGenetics, part of Exact Sciences
Classification: Likely benign for BTBD2-related condition. Last evaluated: 2022-06-29. Review status: no assertion criteria provided. Collection method: clinical testing. Allele origin: germline. Not counted in ClinVar's aggregate classification.
Comment: This variant is classified as likely benign based on ACMG/AMP sequence variant interpretation guidelines (Richards et al. 2015 PMID: 25741868, with internal and published modifications).